The following is an entry in ClinVar:

NM_001286445.3(RIPOR2):c.1429T>A (p.Ser477Thr)

Gene: RIPOR2 (RHO family interacting cell polarization regulator 2; minus strand). Cytogenetic location: 6p22.3.
Variant type: single nucleotide variant.
Coding change: c.1429T>A on transcript NM_001286445.3 (MANE Select); coding-DNA position 1429, T replaced by A.
Protein change: p.Ser477Thr; replaces serine 477 with threonine.
Molecular consequence: missense variant.
Genome position (GRCh38, 1-based): chr6:24,843,290, A>T on the plus strand (T>A on the coding strand, the complement: RIPOR2 is on the minus strand). VCF-style: chr6-24843290-A-T. GRCh37 (hg19) VCF-style: chr6-24843518-A-T.
Other names: c.1444T>A, p.Ser482Thr (NM_001286446.3); c.1342T>A, p.Ser448Thr (NM_001286447.2, NM_001346031.2, NM_001346032.2 and 1 more transcripts); c.1492T>A, p.Ser498Thr (NM_014722.5); short protein forms S448T, S482T, S498T, S477T.
Identifiers: ClinVar variation 1948077 (VCV001948077.5), dbSNP rs2532680567, ClinGen allele CA362994321.

ClinVar aggregate classification (germline): Uncertain significance (1 of 4 stars; one submission).

Submission:

Labcorp Genetics (formerly Invitae), Labcorp
Classification: Uncertain significance. Last evaluated: 2022-07-12. Review status: criteria provided, single submitter. Criteria: Invitae Variant Classification Sherloc (09022015). Collection method: clinical testing. Allele origin: germline.
Comment: In summary, the available evidence is currently insufficient to determine the role of this variant in disease. Therefore, it has been classified as a Variant of Uncertain Significance. Algorithms developed to predict the effect of missense changes on protein structure and function (SIFT, PolyPhen-2, Align-GVGD) all suggest that this variant is likely to be tolerated. This variant has not been reported in the literature in individuals affected with FAM65B-related conditions. This variant is not present in population databases (gnomAD no frequency). This sequence change replaces serine, which is neutral and polar, with threonine, which is neutral and polar, at codon 498 of the FAM65B protein (p.Ser498Thr).